The following is an entry in ClinVar:

ClinVar aggregate classification (germline): Likely pathogenic (1 of 4 stars; one submission).

Submission:

Dasa
Classification: Likely pathogenic. Last evaluated: 2026-03-24. Review status: criteria provided, single submitter. Criteria: DASA Assertion Criteria. Collection method: clinical testing. Allele origin: germline.
Comment: NM_001163809.2(WDR81):c.3502G>T (p.Glu1168*) is a nonsense variant in WDR81 predicted to introduce a premature termination codon and is predicted to result in an absent or altered protein product. Loss of function is an established disease mechanism for WDR81-associated disorders. Also, this variant is rare in population databases. Based on the currently available evidence, this variant is classified as likely pathogenic.

NM_001163809.2(WDR81):c.3502G>T (p.Glu1168Ter)

Gene: WDR81 (WD repeat domain 81; plus strand). Cytogenetic location: 17p13.3.
Variant type: single nucleotide variant.
Coding change: c.3502G>T on transcript NM_001163809.2 (MANE Select); coding-DNA position 3502, G replaced by T.
Protein change: p.Glu1168Ter; replaces glutamic acid 1168 with a stop codon.
Molecular consequence: nonsense. On other transcripts: intron variant (2).
Genome position (GRCh38, 1-based): chr17:1,728,461, G>T. VCF-style: chr17-1728461-G-T. GRCh37 (hg19) VCF-style: chr17-1631755-G-T.
Other names: c.349G>T, p.Glu117Ter (NM_152348.4); c.59-1919G>T (NM_001163673.2); c.-14-1919G>T (NM_001163811.2); short protein forms E1168*, E117*.
Identifiers: ClinVar variation 4880526 (VCV004880526.2).